The following is an entry in ClinVar:

ClinVar aggregate classification (germline): Likely benign (0 of 4 stars; one submission).

Conditions:
NLRP14-related disorder. Also called: NLRP14-related condition.

Allele frequency attached by ClinVar (database versions not stated): 1000 Genomes Project 30x 0.00062; 1000 Genomes Project 0.00080; TOPMed 0.00157; ESP Exome Variant Server 0.00224.
gnomAD v4.1: 3,700 of 1,613,388 alleles (0.23%); highest among the groups gnomAD compares: Non-Finnish European, 0.28%; 10 homozygotes.

Submissions (2):

PreventionGenetics, part of Exact Sciences
Classification: Likely benign for NLRP14-related condition. Last evaluated: 2019-03-13. Review status: no assertion criteria provided. Collection method: clinical testing. Allele origin: germline.
Comment: This variant is classified as likely benign based on ACMG/AMP sequence variant interpretation guidelines (Richards et al. 2015 PMID: 25741868, with internal and published modifications).

Dr. Peter K. Rogan Lab, Western University
No classification provided (evidence only). Condition: Acute myeloid leukemia. Review status: no classification provided. Collection method: in vitro. Allele origin: not applicable. Functional consequence: retained intron. Not counted in ClinVar's aggregate classification.

NM_176822.4(NLRP14):c.1958+6T>C

Gene: NLRP14 (NLR family pyrin domain containing 14; plus strand). Cytogenetic location: 11p15.4.
Variant type: single nucleotide variant.
Coding change: c.1958+6T>C on transcript NM_176822.4 (MANE Select); 6 bases into the intron after coding-DNA position 1958, T replaced by C.
Molecular consequence: intron variant.
Genome position (GRCh38, 1-based): chr11:7,043,990, T>C. VCF-style: chr11-7043990-T-C. GRCh37 (hg19) VCF-style: chr11-7065221-T-C.
Other names: NC_000011.9:g.7065221T>C.
Identifiers: ClinVar variation 3041197 (VCV003041197.3), dbSNP rs139392987, ClinGen allele CA5864900.